The following is an entry in ClinVar:

ClinVar aggregate classification (germline): Uncertain significance (1 of 4 stars; one submission).

Conditions:
Nemaline myopathy 2 (NEM2). Also called: Nemaline myopathy 2, autosomal recessive. Identifiers: MedGen C1850569, MONDO:0009725, OMIM 256030.

Allele frequency attached by ClinVar (database versions not stated): gnomAD exomes 0.00001.
gnomAD v4.1: 3 of 1,607,100 alleles (0.00019%); highest among the groups gnomAD compares: Middle Eastern, 0.017%; no homozygotes.

Submission:

Labcorp Genetics (formerly Invitae), Labcorp
Classification: Uncertain significance for Nemaline myopathy 2. Last evaluated: 2022-05-18. Review status: criteria provided, single submitter. Criteria: Invitae Variant Classification Sherloc (09022015). Collection method: clinical testing. Allele origin: germline.
Comment: This sequence change replaces isoleucine, which is neutral and non-polar, with valine, which is neutral and non-polar, at codon 722 of the NEB protein (p.Ile722Val). This variant is present in population databases (rs777375403, gnomAD 0.006%). This variant has not been reported in the literature in individuals affected with NEB-related conditions. Algorithms developed to predict the effect of missense changes on protein structure and function are either unavailable or do not agree on the potential impact of this missense change (SIFT: "Deleterious"; PolyPhen-2: "Not Available"; Align-GVGD: "Class C0"). Algorithms developed to predict the effect of sequence changes on RNA splicing suggest that this variant may create or strengthen a splice site. In summary, the available evidence is currently insufficient to determine the role of this variant in disease. Therefore, it has been classified as a Variant of Uncertain Significance.

NM_001164508.2(NEB):c.2164A>G (p.Ile722Val)

Gene: NEB (nebulin; minus strand). Cytogenetic location: 2q23.3.
Variant type: single nucleotide variant.
Coding change: c.2164A>G on transcript NM_001164508.2 (MANE Select); coding-DNA position 2164, A replaced by G.
Protein change: p.Ile722Val; replaces isoleucine 722 with valine.
Molecular consequence: missense variant.
Genome position (GRCh38, 1-based): chr2:151,691,911, T>C on the plus strand (A>G on the coding strand, the complement: NEB is on the minus strand). VCF-style: chr2-151691911-T-C. GRCh37 (hg19) VCF-style: chr2-152548425-T-C.
Other names: c.2164A>G, p.Ile722Val (NM_001164507.2, NM_001271208.2, NM_004543.5); short protein forms I722V.
Identifiers: ClinVar variation 2197700 (VCV002197700.1), dbSNP rs777375403, ClinGen allele CA1911307.